The following is an entry in ClinVar:

NM_006005.3(WFS1):c.*300A>G

Gene: WFS1 (wolframin ER transmembrane glycoprotein; plus strand). Cytogenetic location: 4p16.1.
Variant type: single nucleotide variant.
Coding change: c.*300A>G on transcript NM_006005.3 (MANE Select); 300 bases downstream of the stop codon, A replaced by G.
Molecular consequence: 3 prime UTR variant.
Genome position (GRCh38, 1-based): chr4:6,302,768, A>G. VCF-style: chr4-6302768-A-G. GRCh37 (hg19) VCF-style: chr4-6304495-A-G.
Other names: c.*300A>G (NM_001145853.1).
Identifiers: ClinVar variation 905385 (VCV000905385.5), dbSNP rs541125786, ClinGen allele CA91798237.
Genomic context (GRCh38, chr4:6,302,768, plus strand): 5'-CTGACCTTTCTGAGTGACATGGGTGTGCCAGGCTAGACTAGGAGGTTCCGGTGTCTGGAA[A>G]AGCACTTTACAGATGAGATTCCCTCTCCTCCCCCACCTTCAAGCACCCTGTTCCCTCTTT-3'

ClinVar aggregate classification (germline): Conflicting classifications of pathogenicity. Review status: criteria provided, conflicting classifications (1 of 4 stars). 3 submissions from 2 submitters: Uncertain significance (2); Benign (1). Last evaluated 2017-04-27.

Conditions:
Autosomal dominant nonsyndromic hearing loss 6 (LFSNHL). Also called: DEAFNESS, AUTOSOMAL DOMINANT 6; DEAFNESS, AUTOSOMAL DOMINANT 14; DEAFNESS, AUTOSOMAL DOMINANT 38; Autosomal dominant nonsyndromic deafness 6; DIDMOAD (Diabetes Insipidus, Diabetes Mellitus, Optic Atrophy, and Deafness). Identifiers: Orphanet 90635, MedGen C1833021, MONDO:0010963, OMIM 600965.
Wolfram syndrome 1 (WFS1). Identifiers: Orphanet 3463, MedGen C4551693, MONDO:0009101, OMIM 222300.
WFS1-Related Spectrum Disorders.

Allele frequency attached by ClinVar (database versions not stated): TOPMed 0.00028; gnomAD 0.00029 and 0.00030; 1000 Genomes Project 30x 0.00031; gnomAD exomes 0.00031; 1000 Genomes Project 0.00040.
gnomAD v4.1: 163 of 512,034 alleles (0.032%); highest among the groups gnomAD compares: Non-Finnish European, 0.019%; no homozygotes.

Submissions (3):

Illumina Laboratory Services, Illumina
Classification: Uncertain significance for WFS1-Related Spectrum Disorders. Last evaluated: 2017-04-27. Review status: criteria provided, single submitter. Criteria: ICSL Variant Classification Criteria 13 December 2019. Collection method: clinical testing. Allele origin: germline.

Illumina Laboratory Services, Illumina
Classification: Uncertain significance for Autosomal dominant nonsyndromic hearing loss 6. Last evaluated: 2017-04-27. Review status: criteria provided, single submitter. Criteria: ICSL Variant Classification Criteria 13 December 2019. Collection method: clinical testing. Allele origin: germline.

Clinical Genomics, Uppaluri K&H Personalized Medicine Clinic
Classification: Benign for Wolfram syndrome 1. Review status: criteria provided, single submitter. Criteria: K & H Uppaluri Personalized Medicine Clinic Variant Classification & Assertion Criteria_Updated V.1. Collection method: research. Allele origin: unknown. Inheritance: Autosomal recessive inheritance.
Comment: Potent mutations in WFS1 gene are associated with Wolfram's syndrome, an autosomal recessive condition, which cause diabetes mellitus, diabetes insipidus, deafness and optic atrophy.However no sufficient evidence is found to ascertain the role of this particular variant rs541125786 in Wolfram's syndrome yet.

Literature cited by the submitters: PubMed 20738327 (cited by Clinical Genomics, Uppaluri K&H Personalized Medicine Clinic); PubMed 33879153 (cited by Clinical Genomics, Uppaluri K&H Personalized Medicine Clinic); PubMed 12955714 (cited by Clinical Genomics, Uppaluri K&H Personalized Medicine Clinic); PubMed 18060660 (cited by Clinical Genomics, Uppaluri K&H Personalized Medicine Clinic); PubMed 20301750 (cited by Clinical Genomics, Uppaluri K&H Personalized Medicine Clinic); PubMed 17603484 (cited by Clinical Genomics, Uppaluri K&H Personalized Medicine Clinic).